The following is an entry in ClinVar:

ClinVar aggregate classification (germline): Uncertain significance. Review status: criteria provided, multiple submitters, no conflicts (2 of 4 stars). 3 submissions from 3 submitters: Uncertain significance (3). Last evaluated 2025-03-31.

Conditions:
Hereditary sensory and autonomic neuropathy with spastic paraplegia (HSNSP). Identifiers: Orphanet 139578, MedGen C1850395, MONDO:0009748, OMIM 256840.

Allele frequency attached by ClinVar (database versions not stated): ExAC 0.00002; gnomAD exomes 0.00004 and 0.00008; TOPMed 0.00006; gnomAD 0.00009 and 0.00010.
gnomAD v4.1: 135 of 1,614,022 alleles (0.0084%); highest among the groups gnomAD compares: Non-Finnish European, 0.011%; no homozygotes.

Submissions (3):

Ambry Genetics
Classification: Uncertain significance. Last evaluated: 2025-03-31. Review status: criteria provided, single submitter. Criteria: Ambry Variant Classification Scheme 2023. Collection method: clinical testing. Allele origin: germline.

Labcorp Genetics (formerly Invitae), Labcorp
Classification: Uncertain significance for Hereditary sensory and autonomic neuropathy with spastic paraplegia. Last evaluated: 2025-02-05. Review status: criteria provided, single submitter. Criteria: Invitae Variant Classification Sherloc (09022015). Collection method: clinical testing. Allele origin: germline.
Comment: This sequence change replaces lysine, which is basic and polar, with glutamic acid, which is acidic and polar, at codon 378 of the CCT5 protein (p.Lys378Glu). This variant is present in population databases (rs773314762, gnomAD 0.007%). This variant has not been reported in the literature in individuals affected with CCT5-related conditions. ClinVar contains an entry for this variant (Variation ID: 465403). Invitae Evidence Modeling of protein sequence and biophysical properties (such as structural, functional, and spatial information, amino acid conservation, physicochemical variation, residue mobility, and thermodynamic stability) indicates that this missense variant is not expected to disrupt CCT5 protein function with a negative predictive value of 80%. In summary, the available evidence is currently insufficient to determine the role of this variant in disease. Therefore, it has been classified as a Variant of Uncertain Significance.

Illumina Laboratory Services, Illumina
Classification: Uncertain significance for Hereditary sensory and autonomic neuropathy with spastic paraplegia. Last evaluated: 2018-01-13. Review status: criteria provided, single submitter. Criteria: ICSL Variant Classification Criteria 13 December 2019. Collection method: clinical testing. Allele origin: germline.

NM_012073.5(CCT5):c.1132A>G (p.Lys378Glu)

Gene: CCT5 (chaperonin containing TCP1 subunit 5; plus strand). Cytogenetic location: 5p15.2.
Variant type: single nucleotide variant.
Coding change: c.1132A>G on transcript NM_012073.5 (MANE Select); coding-DNA position 1132, A replaced by G.
Protein change: p.Lys378Glu; replaces lysine 378 with glutamic acid.
Molecular consequence: missense variant.
Genome position (GRCh38, 1-based): chr5:10,261,698, A>G. VCF-style: chr5-10261698-A-G. GRCh37 (hg19) VCF-style: chr5-10261810-A-G.
Other names: c.1069A>G, p.Lys357Glu (NM_001306153.1); c.967A>G, p.Lys323Glu (NM_001306154.2); c.853A>G, p.Lys285Glu (NM_001306155.2); c.1018A>G, p.Lys340Glu (NM_001306156.2); short protein forms K378E, K340E, K323E, K285E, K357E.
Identifiers: ClinVar variation 465403 (VCV000465403.13), dbSNP rs773314762, ClinGen allele CA3198258.